The following is an entry in ClinVar:

NM_001278293.3(ARL6):c.77A>G (p.Asp26Gly)

Gene: ARL6 (ARF like GTPase 6; plus strand). Cytogenetic location: 3q11.2.
Variant type: single nucleotide variant.
Coding change: c.77A>G on transcript NM_001278293.3 (MANE Select); coding-DNA position 77, A replaced by G.
Protein change: p.Asp26Gly; replaces aspartic acid 26 with glycine.
Molecular consequence: missense variant. On other transcripts: non-coding transcript variant (7).
Genome position (GRCh38, 1-based): chr3:97,768,184, A>G. VCF-style: chr3-97768184-A-G. GRCh37 (hg19) VCF-style: chr3-97487028-A-G.
Other names: p.D26G; c.77A>G, p.Asp26Gly (NM_001323513.2, NM_001323514.2, NM_032146.5 and 1 more transcripts); short protein forms D26G.
Identifiers: ClinVar variation 4755395 (VCV004755395.1).

ClinVar aggregate classification (germline): Likely pathogenic (1 of 4 stars; one submission).

Conditions:
Retinitis pigmentosa 55 (RP55). Identifiers: Orphanet 791, MedGen C3150808, MONDO:0013312, OMIM 613575.

gnomAD v4.1: 3 of 1,613,122 alleles (0.00019%); highest among the groups gnomAD compares: Non-Finnish European, 0.00025%; no homozygotes.

Submission:

Genetic Diseases Diagnosis Center, Ankara Bilkent City Hospital
Classification: Likely pathogenic for Retinitis pigmentosa 55. Last evaluated: 2026-02-04. Review status: criteria provided, single submitter. Criteria: ACMG Guidelines, 2015. Collection method: clinical testing. Allele origin: germline. Inheritance: Autosomal recessive inheritance. Affected: yes. Observed: 1 homozygote.
Comment: The variant ARL6 (NM_177976.3): c.77A>G (p.Asp26Gly) is a missense variant located in a functionally important and evolutionarily conserved region of the protein, where pathogenic variants have been previously reported. Therefore, this variant meets PM1 (moderate evidence of pathogenicity). The variant is absent from population databases, including gnomAD and other large-scale control cohorts, supporting PM2 (moderate evidence of pathogenicity). ARL6 is a gene in which missense variants are a common mechanism of disease, and benign missense variation is relatively uncommon, fulfilling PP2 (supporting evidence). Multiple in silico prediction tools suggest a deleterious effect of this variant on protein function, supporting PP3 (supporting evidence). Based on the ACMG/AMP guidelines, the combination of PM1 + PM2 + PP2 + PP3 supports classification of this variant as Likely Pathogenic.